The following is an entry in ClinVar:

NM_130384.3(ATRIP):c.1505C>A (p.Ala502Glu)

Genes: ATRIP (ATR interacting protein; plus strand), ATRIP-TREX1 (ATRIP-TREX1 readthrough; plus strand). Cytogenetic location: 3p21.31.
Variant type: single nucleotide variant.
Coding change: c.1505C>A on transcript NM_130384.3 (MANE Select); coding-DNA position 1505, C replaced by A.
Protein change: p.Ala502Glu; replaces alanine 502 with glutamic acid.
Molecular consequence: missense variant. On other transcripts: non-coding transcript variant (1).
Genome position (GRCh38, 1-based): chr3:48,460,559, C>A. VCF-style: chr3-48460559-C-A. GRCh37 (hg19) VCF-style: chr3-48501958-C-A.
Other names: c.1124C>A, p.Ala375Glu (NM_001271022.2); c.1226C>A, p.Ala409Glu (NM_001271023.2); c.1505C>A, p.Ala502Glu (NM_032166.4); short protein forms A375E, A502E, A409E.
Identifiers: ClinVar variation 3810122 (VCV003810122.1).

ClinVar aggregate classification (germline): Uncertain significance (1 of 4 stars; one submission).

Submission:

Ambry Genetics
Classification: Uncertain significance. Last evaluated: 2025-01-25. Review status: criteria provided, single submitter. Criteria: Ambry Variant Classification Scheme 2023. Collection method: clinical testing. Allele origin: germline.
Comment: The p.A502E variant (also known as c.1505C>A), located in coding exon 8 of the ATRIP gene, results from a C to A substitution at nucleotide position 1505. The alanine at codon 502 is replaced by glutamic acid, an amino acid with dissimilar properties. This amino acid position is conserved. In addition, this alteration is predicted to be tolerated by in silico analysis. Based on the available evidence, the clinical significance of this variant remains unclear.